The following is an entry in ClinVar:

NM_000812.4(GABRB1):c.694C>T (p.Arg232Ter)

Gene: GABRB1 (gamma-aminobutyric acid type A receptor subunit beta1; plus strand). Cytogenetic location: 4p12.
Variant type: single nucleotide variant.
Coding change: c.694C>T on transcript NM_000812.4 (MANE Select); coding-DNA position 694, C replaced by T.
Protein change: p.Arg232Ter; replaces arginine 232 with a stop codon.
Molecular consequence: nonsense.
Genome position (GRCh38, 1-based): chr4:47,403,570, C>T. VCF-style: chr4-47403570-C-T. GRCh37 (hg19) VCF-style: chr4-47405587-C-T.
Other names: short protein forms R232*.
Identifiers: ClinVar variation 2811481 (VCV002811481.3), dbSNP rs1490601406, ClinGen allele CA356810622.
Genomic context (GRCh38, chr4:47,403,570, plus strand): 5'-TTCCAACCAAATAATGGTCTGATTACTTGTCTTTTGTTTCTCAACTCAGGAGCGTATCCA[C>T]GACTGTCACTAAGTTTTCGTCTAAAGAGAAACATTGGTTACTTCATTTTGCAAACCTACA-3'

ClinVar aggregate classification (germline): Uncertain significance (1 of 4 stars; one submission).

Allele frequency attached by ClinVar (database versions not stated): gnomAD exomes below 0.00001; gnomAD 0.00001.

Submission:

Labcorp Genetics (formerly Invitae), Labcorp
Classification: Uncertain significance. Last evaluated: 2023-10-12. Review status: criteria provided, single submitter. Criteria: Invitae Variant Classification Sherloc (09022015). Collection method: clinical testing. Allele origin: germline.
Comment: This sequence change creates a premature translational stop signal (p.Arg232*) in the GABRB1 gene. It is expected to result in an absent or disrupted protein product. However, the current clinical and genetic evidence is not sufficient to establish whether loss-of-function variants in GABRB1 cause disease. This variant is present in population databases (no rsID available, gnomAD 0.004%). This variant has not been reported in the literature in individuals affected with GABRB1-related conditions. In summary, the available evidence is currently insufficient to determine the role of this variant in disease. Therefore, it has been classified as a Variant of Uncertain Significance.